The following is an entry in ClinVar:

ClinVar aggregate classification (germline): Conflicting classifications of pathogenicity. Review status: criteria provided, conflicting classifications (1 of 4 stars). 8 submissions from 8 submitters: Uncertain significance (1); Benign (6); Likely benign (1). Last evaluated 2026-02-04.

Conditions:
Autosomal recessive nonsyndromic hearing loss 59. Identifiers: Orphanet 90636, MedGen C1857744, MONDO:0012445, OMIM 610220.

Allele frequency attached by ClinVar (database versions not stated): 1000 Genomes Project 30x 0.03748; 1000 Genomes Project 0.03934.
gnomAD v4.1: 103,885 of 1,613,372 alleles (6.4%); highest among the groups gnomAD compares: Non-Finnish European, 7%; 3,702 homozygotes.

Submissions (8):

Labcorp Genetics (formerly Invitae), Labcorp
Classification: Benign. Last evaluated: 2026-02-04. Review status: criteria provided, single submitter. Criteria: Invitae Variant Classification Sherloc (09022015). Collection method: clinical testing. Allele origin: germline.

Genomic Medicine Center of Excellence, King Faisal Specialist Hospital and Research Centre
Classification: Likely benign for Autosomal recessive nonsyndromic hearing loss 59. Last evaluated: 2025-07-30. Review status: criteria provided, single submitter. Criteria: ACMG Guidelines, 2015. Collection method: clinical testing. Allele origin: germline.

Genome-Nilou Lab
Classification: Benign for Autosomal recessive nonsyndromic hearing loss 59. Last evaluated: 2021-07-30. Review status: criteria provided, single submitter. Criteria: ACMG Guidelines, 2015. Collection method: clinical testing. Allele origin: germline. Affected: no.

Mayo Clinic Laboratories, Mayo Clinic
Classification: Benign. Last evaluated: 2019-07-03. Review status: criteria provided, single submitter. Criteria: ACMG Guidelines, 2015. Collection method: clinical testing. Allele origin: germline. Observed: 22 variant alleles.

GeneDx
Classification: Benign. Last evaluated: 2017-08-18. Review status: criteria provided, single submitter. Criteria: GeneDx Variant Classification (06012015). Collection method: clinical testing. Allele origin: germline. Affected: yes.
Comment: This variant is considered likely benign or benign based on one or more of the following criteria: it is a conservative change, it occurs at a poorly conserved position in the protein, it is predicted to be benign by multiple in silico algorithms, and/or has population frequency not consistent with disease.

Illumina Laboratory Services, Illumina
Classification: Uncertain significance for Autosomal recessive nonsyndromic hearing loss 59. Last evaluated: 2017-04-27. Review status: criteria provided, single submitter. Criteria: ICSL Variant Classification Criteria 13 December 2019. Collection method: clinical testing. Allele origin: germline.

Laboratory for Molecular Medicine, Mass General Brigham Personalized Medicine
Classification: Benign. Last evaluated: 2011-04-26. Review status: criteria provided, single submitter. Criteria: LMM Criteria. Collection method: clinical testing. Allele origin: germline. Observed: 171 variant alleles.
Comment: The Arg265Gly variant in DFNB59 has been reported in 4/30 probands with SNHL and 17/200 control chromosomes (Hashmzadeh-Chaleshtori, 2007), and was reported at a frequency of 1.7% in the Yoruba population in dbSNP (rs17304212). Therefore, t his variant is not expected to have clinical significance due to equal occurrenc e in probands and controls.

PreventionGenetics, part of Exact Sciences
Classification: Benign. Review status: criteria provided, single submitter. Criteria: ACMG Guidelines, 2015. Collection method: clinical testing. Allele origin: germline.

Literature cited by the submitters: PubMed 17718865 (cited by Laboratory for Molecular Medicine, Mass General Brigham Personalized Medicine).

NM_001042702.5(PJVK):c.793C>G (p.Arg265Gly)

Gene: PJVK (pejvakin; plus strand). Cytogenetic location: 2q31.2.
Variant type: single nucleotide variant.
Coding change: c.793C>G on transcript NM_001042702.5 (MANE Select); coding-DNA position 793, C replaced by G.
Protein change: p.Arg265Gly; replaces arginine 265 with glycine.
Molecular consequence: missense variant.
Genome position (GRCh38, 1-based): chr2:178,461,008, C>G. VCF-style: chr2-178461008-C-G. GRCh37 (hg19) VCF-style: chr2-179325735-C-G.
Other names: c.793C>G (NM_001042702.4); c.802C>G, p.Arg268Gly (NM_001353775.2); c.799C>G, p.Arg267Gly (NM_001353776.2); c.316C>G, p.Arg106Gly (NM_001353777.1, NM_001353778.2); c.793C>G, p.Arg265Gly (NM_001369912.1); short protein forms R265G, R106G, R268G, R267G.
Identifiers: ClinVar variation 43870 (VCV000043870.22), dbSNP rs17304212, ClinGen allele CA133062.